The following is an entry in ClinVar:

ClinVar aggregate classification (germline): Uncertain significance. Review status: criteria provided, multiple submitters, no conflicts (2 of 4 stars). 2 submissions from 2 submitters: Uncertain significance (2). Last evaluated 2025-07-16.

Allele frequency attached by ClinVar (database versions not stated): gnomAD 0.00001; gnomAD exomes 0.00001; TOPMed 0.00001; ExAC 0.00005; 1000 Genomes Project 30x 0.00016; 1000 Genomes Project 0.00020.
gnomAD v4.1: 14 of 1,611,548 alleles (0.00087%); highest among the groups gnomAD compares: East Asian, 0.027%; no homozygotes.

Submissions (2):

Women's Health and Genetics/Laboratory Corporation of America, LabCorp
Classification: Uncertain significance. Last evaluated: 2025-07-16. Review status: criteria provided, single submitter. Criteria: LabCorp Variant Classification Summary - May 2015. Collection method: clinical testing. Allele origin: germline.
Comment: Variant summary: APPL1 c.1658+6T>G alters a non-conserved nucleotide located close to a canonical splice site and therefore could affect mRNA splicing, leading to a significantly altered protein sequence. Consensus agreement among computation tools predict no significant impact on normal splicing. However, these predictions have yet to be confirmed by functional studies. The variant allele was found at a frequency of 8.1e-05 in 248106 control chromosomes. This frequency is not significantly higher than estimated for a pathogenic variant in APPL1 causing Maturity-Onset Diabetes Of The Young Type 14, allowing no conclusion about variant significance. To our knowledge, no occurrence of c.1658+6T>G in individuals affected with Maturity-Onset Diabetes Of The Young Type 14 and no experimental evidence demonstrating its impact on protein function have been reported. ClinVar contains an entry for this variant (Variation ID: 2895892). Based on the evidence outlined above, the variant was classified as uncertain significance.

Labcorp Genetics (formerly Invitae), Labcorp
Classification: Uncertain significance. Last evaluated: 2023-06-05. Review status: criteria provided, single submitter. Criteria: Invitae Variant Classification Sherloc (09022015). Collection method: clinical testing. Allele origin: germline.
Comment: In summary, the available evidence is currently insufficient to determine the role of this variant in disease. Therefore, it has been classified as a Variant of Uncertain Significance. Variants that disrupt the consensus splice site are a relatively common cause of aberrant splicing (PMID: 17576681, 9536098). Algorithms developed to predict the effect of sequence changes on RNA splicing suggest that this variant is not likely to affect RNA splicing. This variant has not been reported in the literature in individuals affected with APPL1-related conditions. This variant is present in population databases (rs565149702, gnomAD 0.1%), and has an allele count higher than expected for a pathogenic variant. This sequence change falls in intron 17 of the APPL1 gene. It does not directly change the encoded amino acid sequence of the APPL1 protein. It affects a nucleotide within the consensus splice site.

Literature cited by the submitters: PubMed 17576681 (cited by Labcorp Genetics (formerly Invitae), Labcorp); PubMed 9536098 (cited by Labcorp Genetics (formerly Invitae), Labcorp).

NM_012096.3(APPL1):c.1658+6T>G

Gene: APPL1 (adaptor protein, phosphotyrosine interacting with PH domain and leucine zipper 1; plus strand). Cytogenetic location: 3p14.3.
Variant type: single nucleotide variant.
Coding change: c.1658+6T>G on transcript NM_012096.3 (MANE Select); 6 bases into the intron after coding-DNA position 1658, T replaced by G.
Molecular consequence: intron variant.
Genome position (GRCh38, 1-based): chr3:57,260,025, T>G. VCF-style: chr3-57260025-T-G. GRCh37 (hg19) VCF-style: chr3-57294053-T-G.
Identifiers: ClinVar variation 2895892 (VCV002895892.4), dbSNP rs565149702, ClinGen allele CA2463879.